The following is an entry in ClinVar:

ClinVar aggregate classification (germline): Likely benign (1 of 4 stars; one submission).

Submission:

CeGaT Center for Human Genetics Tuebingen
Classification: Likely benign. Last evaluated: 2026-02-01. Review status: criteria provided, single submitter. Criteria: CeGaT Center For Human Genetics Tuebingen Variant Classification Criteria Version 2. Collection method: clinical testing. Allele origin: germline. Affected: yes. Observed: 1 variant allele.
Comment: PLXNB2: PM2:Supporting, BP4, BP7

NM_012401.4(PLXNB2):c.1620C>G (p.Thr540=)

Gene: PLXNB2 (plexin B2; minus strand). Cytogenetic location: 22q13.33.
Variant type: single nucleotide variant.
Coding change: c.1620C>G on transcript NM_012401.4 (MANE Select); coding-DNA position 1620, C replaced by G.
Protein change: p.Thr540=; no amino-acid change (threonine 540 retained).
Molecular consequence: synonymous variant.
Genome position (GRCh38, 1-based): chr22:50,287,253, G>C on the plus strand (C>G on the coding strand, the complement: PLXNB2 is on the minus strand). VCF-style: chr22-50287253-G-C. GRCh37 (hg19) VCF-style: chr22-50725682-G-C.
Other names: c.1620C>G, p.Thr540= (NM_001376864.1, NM_001376865.1, NM_001376866.1 and 20 more transcripts).
Identifiers: ClinVar variation 4823274 (VCV004823274.4).